The following is an entry in ClinVar:

ClinVar aggregate classification (germline): Uncertain significance (1 of 4 stars; one submission).

Conditions:
Autosomal recessive ataxia, Beauce type. Also called: SYNE1 Deficiency; Spinocerebellar ataxia, autosomal recessive 8; ATAXIA, RECESSIVE, OF BEAUCE; SYNE1-Related Autosomal Recessive Cerebellar Ataxia. Identifiers: Orphanet 88644, MedGen C1853116, MONDO:0012549, OMIM 610743.

Submission:

Neuberg Centre For Genomic Medicine, NCGM
Classification: Uncertain significance for Autosomal recessive ataxia, Beauce type. Last evaluated: 2023-07-22. Review status: criteria provided, single submitter. Criteria: ACMG Guidelines, 2015. Collection method: clinical testing. Allele origin: germline. Inheritance: Autosomal recessive inheritance. Affected: yes.
Comment: The observed missense variant c.10874C>Tp.Thr3625Ile in the SYNE1 gene has not been reported previously as a pathogenic variant nor as a benign variant, to our knowledge. This variant is absent in the gnomAD Exomes. The amino acid Thr at position 3625 is changed to a Ile changing protein sequence and it might alter its composition and physico-chemical properties. Multiple lines of computational evidence Polyphen - Benign, SIFT - Tolerated and MutationTaster - Polymorphism predict no damaging effect on protein structure and function for this variant. The residue is conserved by GERP++ and PhyloP across 100 vertebrates. For these reasons, this variant has been classified as Uncertain Significance.

NM_182961.4(SYNE1):c.10874C>T (p.Thr3625Ile)

Gene: SYNE1 (spectrin repeat containing nuclear envelope protein 1; minus strand). Cytogenetic location: 6q25.2.
Variant type: single nucleotide variant.
Coding change: c.10874C>T on transcript NM_182961.4 (MANE Select); coding-DNA position 10874, C replaced by T.
Protein change: p.Thr3625Ile; replaces threonine 3625 with isoleucine.
Molecular consequence: missense variant. On other transcripts: intron variant (1).
Genome position (GRCh38, 1-based): chr6:152,354,711, G>A on the plus strand (C>T on the coding strand, the complement: SYNE1 is on the minus strand). VCF-style: chr6-152354711-G-A. GRCh37 (hg19) VCF-style: chr6-152675846-G-A.
Other names: c.10881+14C>T (NM_033071.5); short protein forms T3625I.
Identifiers: ClinVar variation 3391261 (VCV003391261.1).